The following is an entry in ClinVar:

Conditions:
Arteriohepatic dysplasia. Also called: Alagille Syndrome. Identifiers: Orphanet 52, MedGen C0085280, MeSH D016738, MONDO:0007318.

Submission:

Gilbert/Spinner Lab, Children's Hospital of Philadelphia
No classification provided (evidence only). Condition: Alagille syndrome. Review status: no classification provided. Collection method: research. Allele origin: not applicable. Functional consequence: functionally_abnormal.
ClinVar note: "not provided" was previously submitted as the classification for the variant. However, the classification appeared to be based only on an observation of functional data so it was converted to no classification on 2025-07-30.

NM_000214.3(JAG1):c.236T>C (p.Leu79Pro)

Gene: JAG1 (jagged canonical Notch ligand 1; minus strand). Cytogenetic location: 20p12.2.
Variant type: single nucleotide variant.
Coding change: c.236T>C on transcript NM_000214.3 (MANE Select); coding-DNA position 236, T replaced by C.
Protein change: p.Leu79Pro; replaces leucine 79 with proline.
Molecular consequence: missense variant.
Genome position (GRCh38, 1-based): chr20:10,672,852, A>G on the plus strand (T>C on the coding strand, the complement: JAG1 is on the minus strand). VCF-style: chr20-10672852-A-G. GRCh37 (hg19) VCF-style: chr20-10653500-A-G.
Other names: short protein forms L79P.
Identifiers: ClinVar variation 3573262 (VCV003573262.2).